The following is an entry in ClinVar:

NM_004385.5(VCAN):c.9379+7T>C

Genes: VCAN (versican; plus strand), VCAN-AS1 (VCAN antisense RNA 1; minus strand). Cytogenetic location: 5q14.3.
Variant type: single nucleotide variant.
Coding change: c.9379+7T>C on transcript NM_004385.5 (MANE Select); 7 bases into the intron after coding-DNA position 9379, T replaced by C.
Molecular consequence: intron variant.
Genome position (GRCh38, 1-based): chr5:83,545,657, T>C. VCF-style: chr5-83545657-T-C. GRCh37 (hg19) VCF-style: chr5-82841476-T-C.
Other names: c.4117+7T>C (NM_001164098.2); c.6418+7T>C (NM_001164097.2); c.1156+7T>C (NM_001126336.3).
Identifiers: ClinVar variation 259377 (VCV000259377.18), dbSNP rs695103, ClinGen allele CA3333984.

ClinVar aggregate classification (germline): Benign. Review status: criteria provided, multiple submitters, no conflicts (2 of 4 stars). 5 submissions from 5 submitters: Benign (5). Last evaluated 2026-02-04.

Conditions:
Vitreoretinopathy. Also called: Vitreoretinal degeneration. Identifiers: MedGen C0344290, MONDO:0020248, HP:0007773.

Allele frequency attached by ClinVar (database versions not stated): TOPMed 0.09348; ESP Exome Variant Server 0.09411; gnomAD 0.09623 and 0.10615; gnomAD exomes 0.12582 and 0.13928; ExAC 0.14210; 1000 Genomes Project 30x 0.15553; 1000 Genomes Project 0.16374.
gnomAD v4.1: 200,005 of 1,608,182 alleles (12%); highest among the groups gnomAD compares: South Asian, 31%; 15,074 homozygotes.

Submissions (5):

Labcorp Genetics (formerly Invitae), Labcorp
Classification: Benign. Last evaluated: 2026-02-04. Review status: criteria provided, single submitter. Criteria: Invitae Variant Classification Sherloc (09022015). Collection method: clinical testing. Allele origin: germline.

Blueprint Genetics
Classification: Benign. Last evaluated: 2024-11-26. Review status: criteria provided, single submitter. Criteria: ACMG Guidelines, 2015. Collection method: clinical testing. Allele origin: germline.

GeneDx
Classification: Benign. Last evaluated: 2021-05-16. Review status: criteria provided, single submitter. Criteria: GeneDx Variant Classification Process June 2021. Collection method: clinical testing. Allele origin: germline. Affected: yes.

Illumina Laboratory Services, Illumina
Classification: Benign for Vitreoretinopathy. Last evaluated: 2018-01-13. Review status: criteria provided, single submitter. Criteria: ICSL Variant Classification Criteria 13 December 2019. Collection method: clinical testing. Allele origin: germline.
Comment: This variant was observed in the ICSL laboratory as part of a predisposition screen in an ostensibly healthy population. It had not been previously curated by ICSL or reported in the Human Gene Mutation Database (HGMD: prior to June 1st, 2018), and was therefore a candidate for classification through an automated scoring system. Utilizing variant allele frequency, disease prevalence and penetrance estimates, and inheritance mode, an automated score was calculated to assess if this variant is too frequent to cause the disease. Based on the score and internal cut-off values, a variant classified as benign is not then subjected to further curation. The score for this variant resulted in a classification of benign for this disease.

PreventionGenetics, part of Exact Sciences
Classification: Benign. Review status: criteria provided, single submitter. Criteria: ACMG Guidelines, 2015. Collection method: clinical testing. Allele origin: germline.